The following is an entry in ClinVar:

NM_001004334.4(GPR179):c.2149C>T (p.Arg717Cys)

Gene: GPR179 (G protein-coupled receptor 179; minus strand). Cytogenetic location: 17q12.
Variant type: single nucleotide variant.
Coding change: c.2149C>T on transcript NM_001004334.4 (MANE Select); coding-DNA position 2149, C replaced by T.
Protein change: p.Arg717Cys; replaces arginine 717 with cysteine.
Molecular consequence: missense variant.
Genome position (GRCh38, 1-based): chr17:38,331,420, G>A on the plus strand (C>T on the coding strand, the complement: GPR179 is on the minus strand). VCF-style: chr17-38331420-G-A. GRCh37 (hg19) VCF-style: chr17-36487303-G-A.
Other names: short protein forms R717C.
Identifiers: ClinVar variation 892292 (VCV000892292.9), dbSNP rs767911479, ClinGen allele CA290106123.
Genomic context (GRCh38, chr17:38,331,420, plus strand): 5'-CCCGGGAGTGCTGCCTGGCCAGGGCCTCGGGGAATTCCGCCAGGTACCTCATGAAGGAGC[G>A]GCCCAGTCCCTGGCATGAGCTGCCTCGCTTCTTGGGCAGGTGGGGGTTGTTTGCGGCCAT-3'
Protein context (NP_001004334.3, residues 707-727): KRGSSCQGLG[Arg717Cys]SFMRYLAEFP

ClinVar aggregate classification (germline): Uncertain significance. Review status: criteria provided, multiple submitters, no conflicts (2 of 4 stars). 3 submissions from 3 submitters: Uncertain significance (3). Last evaluated 2023-12-28.

Conditions:
Congenital stationary night blindness 1E. Also called: Night blindness, congenital stationary (complete), 1E, autosomal recessive. Identifiers: Orphanet 215, MedGen C3281215, MONDO:0013807, OMIM 614565.

Allele frequency attached by ClinVar (database versions not stated): ExAC 0.00001; gnomAD exomes 0.00001.

Submissions (3):

Blueprint Genetics
Classification: Uncertain significance. Last evaluated: 2023-12-28. Review status: criteria provided, single submitter. Criteria: ACMG Guidelines, 2015. Collection method: clinical testing. Allele origin: germline.

Labcorp Genetics (formerly Invitae), Labcorp
Classification: Uncertain significance. Last evaluated: 2022-08-23. Review status: criteria provided, single submitter. Criteria: Invitae Variant Classification Sherloc (09022015). Collection method: clinical testing. Allele origin: germline.
Comment: This sequence change replaces arginine, which is basic and polar, with cysteine, which is neutral and slightly polar, at codon 717 of the GPR179 protein (p.Arg717Cys). This variant is present in population databases (rs767911479, gnomAD 0.003%). This variant has not been reported in the literature in individuals affected with GPR179-related conditions. ClinVar contains an entry for this variant (Variation ID: 892292). Algorithms developed to predict the effect of missense changes on protein structure and function are either unavailable or do not agree on the potential impact of this missense change (SIFT: "Deleterious"; PolyPhen-2: "Probably Damaging"; Align-GVGD: "Class C0"). In summary, the available evidence is currently insufficient to determine the role of this variant in disease. Therefore, it has been classified as a Variant of Uncertain Significance.

Illumina Laboratory Services, Illumina
Classification: Uncertain significance for Congenital stationary night blindness 1E. Last evaluated: 2018-01-12. Review status: criteria provided, single submitter. Criteria: ICSL Variant Classification Criteria 13 December 2019. Collection method: clinical testing. Allele origin: germline.